The following is an entry in ClinVar:

NM_001875.5(CPS1):c.2375T>C (p.Met792Thr)

Gene: CPS1 (carbamoyl-phosphate synthase 1; plus strand). Cytogenetic location: 2q34.
Variant type: single nucleotide variant.
Coding change: c.2375T>C on transcript NM_001875.5 (MANE Select); coding-DNA position 2375, T replaced by C.
Protein change: p.Met792Thr; replaces methionine 792 with threonine.
Molecular consequence: missense variant. On other transcripts: non-coding transcript variant (2).
Genome position (GRCh38, 1-based): chr2:210,608,543, T>C. VCF-style: chr2-210608543-T-C. GRCh37 (hg19) VCF-style: chr2-211473267-T-C.
Other names: c.2375T>C, p.Met792Thr (NM_001122633.3, NM_001369257.1); c.2408T>C, p.Met803Thr (NM_001369256.1); short protein forms M792T, M803T.
Identifiers: ClinVar variation 2914588 (VCV002914588.3), dbSNP rs2469175870, ClinGen allele CA350439806.

ClinVar aggregate classification (germline): Likely pathogenic (1 of 4 stars; one submission).

Conditions:
Congenital hyperammonemia, type I. Also called: Carbamoyl-phosphate synthase I deficiency; CPS I DEFICIENCY; Carbamoyl phosphate synthetase 1 deficiency; Hyperammonemia due to carbamoyl phosphate synthetase 1 deficiency; CPS 1 deficiency; Carbamyl phosphate synthetase (CPS) deficiency. Identifiers: Orphanet 147, MedGen C4082171, MONDO:0009376, OMIM 237300.

Submission:

Labcorp Genetics (formerly Invitae), Labcorp
Classification: Likely pathogenic for Congenital hyperammonemia, type I. Last evaluated: 2023-10-24. Review status: criteria provided, single submitter. Criteria: Invitae Variant Classification Sherloc (09022015). Collection method: clinical testing. Allele origin: germline.
Comment: This sequence change replaces methionine, which is neutral and non-polar, with threonine, which is neutral and polar, at codon 792 of the CPS1 protein (p.Met792Thr). This variant is not present in population databases (gnomAD no frequency). This variant has not been reported in the literature in individuals affected with CPS1-related conditions. Advanced modeling of protein sequence and biophysical properties (such as structural, functional, and spatial information, amino acid conservation, physicochemical variation, residue mobility, and thermodynamic stability) performed at Invitae indicates that this missense variant is expected to disrupt CPS1 protein function with a positive predictive value of 95%. This variant disrupts the p.Met792 amino acid residue in CPS1. Other variant(s) that disrupt this residue have been determined to be pathogenic (PMID: 21120950, 28007335; Invitae). This suggests that this residue is clinically significant, and that variants that disrupt this residue are likely to be disease-causing. In summary, the currently available evidence indicates that the variant is pathogenic, but additional data are needed to prove that conclusively. Therefore, this variant has been classified as Likely Pathogenic.

Literature cited by the submitters: PubMed 21120950; PubMed 28007335.